The following is an entry in ClinVar:

ClinVar aggregate classification (germline): Uncertain significance. Review status: criteria provided, single submitter (1 of 4 stars). 2 submissions from 2 submitters: Uncertain significance (1). 1 of the submissions does not count toward it. Last evaluated 2018-10-15.

Conditions:
Hearing loss, autosomal recessive 57. Also called: DEAFNESS, AUTOSOMAL RECESSIVE 57. Identifiers: MedGen C4693893, MONDO:0033201, OMIM 618003.

Submissions (2):

SIB Swiss Institute of Bioinformatics
Classification: Uncertain significance for Hearing loss, autosomal recessive 57. Last evaluated: 2018-10-15. Review status: criteria provided, single submitter. Criteria: ACMG Guidelines, 2015. Collection method: curation. Allele origin: germline.
Comment: This variant is interpreted as Uncertain Significance - Insufficient Evidence, for Deafness, autosomal recessive, 57. The following ACMG Tag(s) were applied: PM2 => Absent from controls (or at extremely low frequency if recessive) in Exome Sequencing Project, 1000 Genomes Project, or Exome Aggregation Consortium. PP3 => Multiple lines of computational evidence support a deleterious effect on the gene or gene product. PP1 => Cosegregation with disease in multiple affected family members in a gene definitively known to cause the disease (PubMed 29048736).

OMIM
Classification: Pathogenic for DEAFNESS, AUTOSOMAL RECESSIVE 57. Last evaluated: 2018-06-01. Review status: no assertion criteria provided. Collection method: literature only. Allele origin: germline. Not counted in ClinVar's aggregate classification.

Literature cited by the submitters: PubMed 29048736 (cited by SIB Swiss Institute of Bioinformatics and OMIM).

NM_001195263.2(PDZD7):c.197G>T (p.Arg66Leu)

Gene: PDZD7 (PDZ domain containing 7; minus strand). Cytogenetic location: 10q24.31.
Variant type: single nucleotide variant.
Coding change: c.197G>T on transcript NM_001195263.2 (MANE Select); coding-DNA position 197, G replaced by T.
Protein change: p.Arg66Leu; replaces arginine 66 with leucine.
Molecular consequence: missense variant.
Genome position (GRCh38, 1-based): chr10:101,030,023, C>A on the plus strand (G>T on the coding strand, the complement: PDZD7 is on the minus strand). VCF-style: chr10-101030023-C-A. GRCh37 (hg19) VCF-style: chr10-102789780-C-A.
Other names: c.197G>T, p.Arg66Leu (NM_001351044.2, NM_024895.5); short protein forms R66L.
Identifiers: ClinVar variation 545406 (VCV000545406.1), dbSNP rs1426679303, ClinGen allele CA378231207.